The following is an entry in ClinVar:

ClinVar aggregate classification (germline): Likely benign (0 of 4 stars; one submission).

Conditions:
ZNF462-related disorder. Also called: ZNF462-related condition; ZNF462 related disease.

Allele frequency attached by ClinVar (database versions not stated): gnomAD exomes below 0.00001; TOPMed 0.00001; ExAC 0.00003.

Submission:

PreventionGenetics, part of Exact Sciences
Classification: Likely benign for ZNF462-related condition. Last evaluated: 2019-03-11. Review status: no assertion criteria provided. Collection method: clinical testing. Allele origin: germline.
Comment: This variant is classified as likely benign based on ACMG/AMP sequence variant interpretation guidelines (Richards et al. 2015 PMID: 25741868, with internal and published modifications).

NM_021224.6(ZNF462):c.861T>C (p.Asp287=)

Gene: ZNF462 (zinc finger protein 462; plus strand). Cytogenetic location: 9q31.2.
Variant type: single nucleotide variant.
Coding change: c.861T>C on transcript NM_021224.6 (MANE Select); coding-DNA position 861, T replaced by C.
Protein change: p.Asp287=; no amino-acid change (aspartic acid 287 retained).
Molecular consequence: synonymous variant.
Genome position (GRCh38, 1-based): chr9:106,924,773, T>C. VCF-style: chr9-106924773-T-C. GRCh37 (hg19) VCF-style: chr9-109687054-T-C.
Other names: c.861T>C, p.Asp287= (NM_001347997.2).
Identifiers: ClinVar variation 3057762 (VCV003057762.2), dbSNP rs767585171, ClinGen allele CA5171223.